The following is an entry in ClinVar:

NM_138576.4(BCL11B):c.2637G>C (p.Glu879Asp)

Gene: BCL11B (BCL11 transcription factor B; minus strand). Cytogenetic location: 14q32.2.
Variant type: single nucleotide variant.
Coding change: c.2637G>C on transcript NM_138576.4 (MANE Select); coding-DNA position 2637, G replaced by C.
Protein change: p.Glu879Asp; replaces glutamic acid 879 with aspartic acid.
Molecular consequence: missense variant.
Genome position (GRCh38, 1-based): chr14:99,174,199, C>G on the plus strand (G>C on the coding strand, the complement: BCL11B is on the minus strand). VCF-style: chr14-99174199-C-G. GRCh37 (hg19) VCF-style: chr14-99640536-C-G.
Other names: c.2634G>C, p.Glu878Asp (NM_001282237.2); c.2421G>C, p.Glu807Asp (NM_001282238.2); c.2424G>C, p.Glu808Asp (NM_022898.3); short protein forms E807D, E808D, E878D, E879D.
Identifiers: ClinVar variation 1326468 (VCV001326468.7), dbSNP rs2139752367, ClinGen allele CA390932747.

ClinVar aggregate classification (germline): Uncertain significance. Review status: criteria provided, multiple submitters, no conflicts (2 of 4 stars). 2 submissions from 2 submitters: Uncertain significance (2). Last evaluated 2023-12-11.

Submissions (2):

Labcorp Genetics (formerly Invitae), Labcorp
Classification: Uncertain significance. Last evaluated: 2023-12-11. Review status: criteria provided, single submitter. Criteria: Invitae Variant Classification Sherloc (09022015). Collection method: clinical testing. Allele origin: germline.
Comment: This sequence change replaces glutamic acid, which is acidic and polar, with aspartic acid, which is acidic and polar, at codon 879 of the BCL11B protein (p.Glu879Asp). This variant is not present in population databases (gnomAD no frequency). This variant has not been reported in the literature in individuals affected with BCL11B-related conditions. ClinVar contains an entry for this variant (Variation ID: 1326468). An algorithm developed to predict the effect of missense changes on protein structure and function (PolyPhen-2) suggests that this variant is likely to be tolerated. In summary, the available evidence is currently insufficient to determine the role of this variant in disease. Therefore, it has been classified as a Variant of Uncertain Significance.

GeneDx
Classification: Uncertain significance. Last evaluated: 2021-05-28. Review status: criteria provided, single submitter. Criteria: GeneDx Variant Classification Process June 2021. Collection method: clinical testing. Allele origin: germline. Affected: yes.
Comment: Not observed in large population cohorts (Lek et al., 2016); In silico analysis supports that this missense variant does not alter protein structure/function; Has not been previously published as pathogenic or benign to our knowledge; This variant is associated with the following publications: (PMID: 27535533)